The following is an entry in ClinVar:

ClinVar aggregate classification (germline): Uncertain significance (1 of 4 stars; one submission).

Submission:

Labcorp Genetics (formerly Invitae), Labcorp
Classification: Uncertain significance. Last evaluated: 2024-02-16. Review status: criteria provided, single submitter. Criteria: Invitae Variant Classification Sherloc (09022015). Collection method: clinical testing. Allele origin: germline.
Comment: This sequence change replaces threonine, which is neutral and polar, with isoleucine, which is neutral and non-polar, at codon 459 of the CLCN6 protein (p.Thr459Ile). This variant is not present in population databases (gnomAD no frequency). This variant has not been reported in the literature in individuals affected with CLCN6-related conditions. ClinVar contains an entry for this variant (Variation ID: 1375836). An algorithm developed to predict the effect of missense changes on protein structure and function (PolyPhen-2) suggests that this variant is likely to be disruptive. In summary, the available evidence is currently insufficient to determine the role of this variant in disease. Therefore, it has been classified as a Variant of Uncertain Significance.

NM_001286.5(CLCN6):c.1376C>T (p.Thr459Ile)

Gene: CLCN6 (chloride voltage-gated channel 6; plus strand). Cytogenetic location: 1p36.22.
Variant type: single nucleotide variant.
Coding change: c.1376C>T on transcript NM_001286.5 (MANE Select); coding-DNA position 1376, C replaced by T.
Protein change: p.Thr459Ile; replaces threonine 459 with isoleucine.
Molecular consequence: missense variant. On other transcripts: non-coding transcript variant (1).
Genome position (GRCh38, 1-based): chr1:11,833,880, C>T. VCF-style: chr1-11833880-C-T. GRCh37 (hg19) VCF-style: chr1-11893937-C-T.
Other names: c.1310C>T, p.Thr437Ile (NM_001256959.2); short protein forms T459I, T437I.
Identifiers: ClinVar variation 1375836 (VCV001375836.6), dbSNP rs2100652670, ClinGen allele CA338435154.